The following is an entry in ClinVar:

ClinVar aggregate classification (germline): Benign. Review status: criteria provided, multiple submitters, no conflicts (2 of 4 stars). 2 submissions from 2 submitters: Benign (2). Last evaluated 2026-01-29.

gnomAD v4.1: 1,563 of 779,012 alleles (0.2%); highest among the groups gnomAD compares: African/African-American, 1.9%; 21 homozygotes.

Submissions (2):

Women's Health and Genetics/Laboratory Corporation of America, LabCorp
Classification: Benign. Last evaluated: 2026-01-29. Review status: criteria provided, single submitter. Criteria: LabCorp Variant Classification Summary - May 2015. Collection method: clinical testing. Allele origin: germline.
Comment: Variant summary: C1R c.618C>T alters a conserved nucleotide resulting in a synonymous change. Consensus agreement among computation tools predict no significant impact on normal splicing. However, these predictions have yet to be confirmed by functional studies. The variant allele was found at a frequency of 0.0017 in 246382 control chromosomes in the gnomAD database, including 5 homozygotes. The observed variant frequency exceeds the estimated maximal expected allele frequency for disease-causing variants in C1R. To our knowledge, no occurrence of c.618C>T in individuals affected with C1R-related conditions and no experimental evidence demonstrating its impact on protein function have been reported. No submitters have cited clinical-significance assessments for this variant to ClinVar. Based on the evidence outlined above, the variant was classified as benign.

Mayo Clinic Laboratories, Mayo Clinic
Classification: Benign. Last evaluated: 2024-05-08. Review status: criteria provided, single submitter. Criteria: ACMG Guidelines, 2015. Collection method: clinical testing. Allele origin: germline. Observed: 2 variant alleles.
Comment: BS1, BS2, BP4, BP7

NM_001733.7(C1R):c.618C>T (p.Ser206=)

Gene: C1R (complement C1r; minus strand). Cytogenetic location: 12p13.31.
Variant type: single nucleotide variant.
Coding change: c.618C>T on transcript NM_001733.7 (MANE Select); coding-DNA position 618, C replaced by T.
Protein change: p.Ser206=; no amino-acid change (serine 206 retained).
Molecular consequence: synonymous variant.
Genome position (GRCh38, 1-based): chr12:7,089,443, G>A on the plus strand (C>T on the coding strand, the complement: C1R is on the minus strand). VCF-style: chr12-7089443-G-A. GRCh37 (hg19) VCF-style: chr12-7242039-G-A.
Other names: p.Ser206=; c.660C>T, p.Ser220= (NM_001354346.2).
Identifiers: ClinVar variation 4683724 (VCV004683724.2).